The following is an entry in ClinVar:

NM_199420.4(POLQ):c.973C>T (p.His325Tyr)

Gene: POLQ (DNA polymerase theta; minus strand). Cytogenetic location: 3q13.33.
Variant type: single nucleotide variant.
Coding change: c.973C>T on transcript NM_199420.4 (MANE Select); coding-DNA position 973, C replaced by T.
Protein change: p.His325Tyr; replaces histidine 325 with tyrosine.
Molecular consequence: missense variant.
Genome position (GRCh38, 1-based): chr3:121,529,780, G>A on the plus strand (C>T on the coding strand, the complement: POLQ is on the minus strand). VCF-style: chr3-121529780-G-A. GRCh37 (hg19) VCF-style: chr3-121248627-G-A.
Other names: short protein forms H325Y.
Identifiers: ClinVar variation 1768045 (VCV001768045.3), dbSNP rs761167595, ClinGen allele CA2563670.

ClinVar aggregate classification (germline): Uncertain significance (1 of 4 stars; one submission).

Allele frequency attached by ClinVar (database versions not stated): ExAC 0.00002.
gnomAD v4.1: 12 of 1,608,862 alleles (0.00075%); highest among the groups gnomAD compares: South Asian, 0.012%; 1 homozygote.

Submission:

Ambry Genetics
Classification: Uncertain significance. Last evaluated: 2024-09-15. Review status: criteria provided, single submitter. Criteria: Ambry Variant Classification Scheme 2023. Collection method: clinical testing. Allele origin: germline.
Comment: The p.H325Y variant (also known as c.973C>T), located in coding exon 7 of the POLQ gene, results from a C to T substitution at nucleotide position 973. The histidine at codon 325 is replaced by tyrosine, an amino acid with similar properties. This amino acid position is conserved. In addition, the in silico prediction for this alteration is inconclusive. Since supporting evidence is limited at this time, the clinical significance of this alteration remains unclear.